The following is an entry in ClinVar:

NM_032119.4(ADGRV1):c.14161G>A (p.Asp4721Asn)

Gene: ADGRV1 (adhesion G protein-coupled receptor V1; plus strand). Cytogenetic location: 5q14.3.
Variant type: single nucleotide variant.
Coding change: c.14161G>A on transcript NM_032119.4 (MANE Select); coding-DNA position 14161, G replaced by A.
Protein change: p.Asp4721Asn; replaces aspartic acid 4721 with asparagine.
Molecular consequence: missense variant. On other transcripts: non-coding transcript variant (1).
Genome position (GRCh38, 1-based): chr5:90,790,990, G>A. VCF-style: chr5-90790990-G-A. GRCh37 (hg19) VCF-style: chr5-90086807-G-A.
Other names: short protein forms D4721N.
Identifiers: ClinVar variation 3765559 (VCV003765559.1).

ClinVar aggregate classification (germline): Uncertain significance (1 of 4 stars; one submission).

Conditions:
Usher syndrome type 2C. Also called: USHER SYNDROME, TYPE IIC; Usher syndrome, type 2B. Identifiers: Orphanet 231178, Orphanet 886, MedGen C2931213, MONDO:0011558, OMIM 605472.

gnomAD v4.1: 1 of 1,613,826 alleles (0.000062%); highest among the groups gnomAD compares: Non-Finnish European, 0.000085%; no homozygotes.

Submission:

CGC Genetics, Unilabs
Classification: Uncertain significance for Usher syndrome type 2C. Last evaluated: 2025-01-30. Review status: criteria provided, single submitter. Criteria: ACMG Guidelines, 2015. Collection method: clinical testing. Allele origin: unknown. Inheritance: Autosomal recessive inheritance. Affected: yes. Observed: 1 variant allele.
Comment: It has not been reported in the literature or in the gnomAD database at the time of this submission. Bioinformatic analysis, which also includes residue conservation data, is inconclusive as to the effect of the variant. With the information currently available, it should be classified as a variant of unknown clinical significance. ACMG codes: PM2_supporting.